The following is an entry in ClinVar:

ClinVar aggregate classification (germline): Uncertain significance (1 of 4 stars; one submission).

Submission:

GeneDx
Classification: Uncertain significance. Last evaluated: 2025-08-15. Review status: criteria provided, single submitter. Criteria: GeneDx Variant Classification Process June 2021. Collection method: clinical testing. Allele origin: germline. Affected: yes.
Comment: Not observed at significant frequency in large population cohorts (gnomAD); In silico analysis supports that this missense variant has a deleterious effect on protein structure/function; Has not been previously published as pathogenic or benign to our knowledge

NM_001145358.2(SIN3A):c.3250A>G (p.Thr1084Ala)

Gene: SIN3A (SIN3 transcription regulator family member A; minus strand). Cytogenetic location: 15q24.2.
Variant type: single nucleotide variant.
Coding change: c.3250A>G on transcript NM_001145358.2 (MANE Select); coding-DNA position 3250, A replaced by G.
Protein change: p.Thr1084Ala; replaces threonine 1084 with alanine.
Molecular consequence: missense variant.
Genome position (GRCh38, 1-based): chr15:75,381,651, T>C on the plus strand (A>G on the coding strand, the complement: SIN3A is on the minus strand). VCF-style: chr15-75381651-T-C. GRCh37 (hg19) VCF-style: chr15-75673992-T-C.
Other names: c.3250A>G, p.Thr1084Ala (NM_001145357.2, NM_001437462.1, NM_001437463.1 and 1 more transcripts); short protein forms T1084A.
Identifiers: ClinVar variation 4795726 (VCV004795726.1).
Genomic context (GRCh38, chr15:75,381,651, plus strand): 5'-TCTGTGATGTACTTGCTCATACCTCTGCTTCCACAGGGTCATCCGAATTCTCCTCTTCTG[T>C]GTCCAGAAGCTCAATAGTCAGCTGGACCTGGCCTTGGCTCTGAATAAACATAAGCTGCAA-3'
Protein context (NP_001138830.1, residues 1074-1094): QVQLTIELLD[Thr1084Ala]EEENSDDPVE